The following is an entry in ClinVar:

NM_001042492.3(NF1):c.1123C>G (p.Leu375Val)

Gene: NF1 (neurofibromin 1; plus strand). Cytogenetic location: 17q11.2.
Variant type: single nucleotide variant.
Coding change: c.1123C>G on transcript NM_001042492.3 (MANE Select); coding-DNA position 1123, C replaced by G.
Protein change: p.Leu375Val; replaces leucine 375 with valine.
Molecular consequence: missense variant.
Genome position (GRCh38, 1-based): chr17:31,201,097, C>G. VCF-style: chr17-31201097-C-G. GRCh37 (hg19) VCF-style: chr17-29528115-C-G.
Other names: c.1123C>G, p.Leu375Val (NM_000267.4, NM_001128147.3); short protein forms L375V.
Identifiers: ClinVar variation 2107274 (VCV002107274.4), dbSNP rs2143879467, ClinGen allele CA398996977.

ClinVar aggregate classification (germline): Uncertain significance (1 of 4 stars; one submission).

Conditions:
Neurofibromatosis, type 1 (NF1). Also called: Peripheral type neurofibromatosis; NEUROFIBROMATOSIS, TYPE I, SOMATIC; VON RECKLINGHAUSEN DISEASE; Neurofibromatosis, type I. Identifiers: Orphanet 636, MedGen C0027831, MONDO:0018975, OMIM 162200. Disease mechanism: loss of function.

Submission:

Labcorp Genetics (formerly Invitae), Labcorp
Classification: Uncertain significance for Neurofibromatosis, type 1. Last evaluated: 2024-04-27. Review status: criteria provided, single submitter. Criteria: Invitae Variant Classification Sherloc (09022015). Collection method: clinical testing. Allele origin: germline.
Comment: This sequence change replaces leucine, which is neutral and non-polar, with valine, which is neutral and non-polar, at codon 375 of the NF1 protein (p.Leu375Val). This variant is not present in population databases (gnomAD no frequency). This variant has not been reported in the literature in individuals affected with NF1-related conditions. ClinVar contains an entry for this variant (Variation ID: 2107274). Advanced modeling of protein sequence and biophysical properties (such as structural, functional, and spatial information, amino acid conservation, physicochemical variation, residue mobility, and thermodynamic stability) performed at Invitae indicates that this missense variant is expected to disrupt NF1 protein function with a positive predictive value of 95%. In summary, the available evidence is currently insufficient to determine the role of this variant in disease. Therefore, it has been classified as a Variant of Uncertain Significance.